The following is an entry in ClinVar:

NM_003106.4(SOX2):c.131C>G (p.Pro44Arg)

Genes: SOX2 (SRY-box transcription factor 2; plus strand), SOX2-OT (SOX2 overlapping transcript; plus strand), LOC108281177 (SOX2 5' regulatory region; plus strand). Cytogenetic location: 3q26.33.
Variant type: single nucleotide variant.
Coding change: c.131C>G on transcript NM_003106.4 (MANE Select); coding-DNA position 131, C replaced by G.
Protein change: p.Pro44Arg; replaces proline 44 with arginine.
Molecular consequence: missense variant.
Genome position (GRCh38, 1-based): chr3:181,712,491, C>G. VCF-style: chr3-181712491-C-G. GRCh37 (hg19) VCF-style: chr3-181430279-C-G.
Other names: short protein forms P44R.
Identifiers: ClinVar variation 986763 (VCV000986763.1), dbSNP rs1714842576, ClinGen allele CA355473187.

ClinVar aggregate classification (germline): Pathogenic (0 of 4 stars; one submission).

Conditions:
Anophthalmia/microphthalmia-esophageal atresia syndrome (MCOPS3). Also called: MICROPHTHALMIA AND ESOPHAGEAL ATRESIA SYNDROME; AEG SYNDROME; SOX2 Disorder. Identifiers: Orphanet 77298, MedGen C1859773, MONDO:0008799, OMIM 206900.

Submission:

Anophthalmia/Microphthalmia Research Registry, Einstein Medical Center Philadelphia
Classification: Pathogenic for Anophthalmia/microphthalmia-esophageal atresia syndrome. Review status: no assertion criteria provided. Collection method: research. Allele origin: germline. Inheritance: Autosomal dominant inheritance. Affected: yes. Observed: 1 variant allele.